The following is an entry in ClinVar:

ClinVar aggregate classification (germline): Conflicting classifications of pathogenicity. Review status: criteria provided, conflicting classifications (1 of 4 stars). 3 submissions from 3 submitters: Uncertain significance (2); Likely benign (1). Last evaluated 2024-04-08.

Conditions:
Hereditary cancer-predisposing syndrome. Also called: Hereditary Cancer Syndrome; Neoplastic Syndromes, Hereditary; Hereditary neoplastic syndrome; Tumor predisposition. Identifiers: Orphanet 140162, MedGen C0027672, MeSH D009386, MONDO:0015356.
Hereditary breast ovarian cancer syndrome. Also called: BRCA1- and BRCA2-Associated Hereditary Breast and Ovarian Cancer; Hereditary breast and ovarian cancer syndrome; Hereditary breast and/or ovarian cancer syndrome; Breast and ovarian cancer; Hereditary breast and ovarian cancer; Hereditary breast and ovarian cancer syndrome (HBOC). Identifiers: Orphanet 145, MedGen C0677776, MeSH D061325, MONDO:0003582. Disease mechanism: loss of function.

Allele frequency attached by ClinVar (database versions not stated): gnomAD exomes below 0.00001.
gnomAD v4.1: 1 of 1,608,688 alleles (0.000062%); highest among the groups gnomAD compares: Non-Finnish European, 0.000085%; no homozygotes.

Submissions (3):

Ambry Genetics
Classification: Uncertain significance for Hereditary cancer-predisposing syndrome. Last evaluated: 2024-04-08. Review status: criteria provided, single submitter. Criteria: Ambry Variant Classification Scheme 2023. Collection method: clinical testing. Allele origin: germline.
Comment: The p.S617P variant (also known as c.1849T>C), located in coding exon 9 of the BRCA2 gene, results from a T to C substitution at nucleotide position 1849. The serine at codon 617 is replaced by proline, an amino acid with similar properties. This alteration was identified in a uveal melanoma family (Johansson PA et al. Melanoma Res, 2019 Oct;29:483-490). This amino acid position is well conserved in available vertebrate species. In addition, this alteration is predicted to be tolerated by in silico analysis. Based on the available evidence, the clinical significance of this variant remains unclear.

University of Washington Department of Laboratory Medicine, University of Washington
Classification: Likely benign for Hereditary cancer-predisposing syndrome. Last evaluated: 2023-03-23. Review status: criteria provided, single submitter. Criteria: Dines et al. (Genet Med. 2020). Collection method: curation. Allele origin: germline.
Comment: Missense variant in a coldspot region where missense variants are very unlikely to be pathogenic (PMID:31911673).

BRCA2 exon 10 coldspot. Reclassification based on statistical prior probability.

Labcorp Genetics (formerly Invitae), Labcorp
Classification: Uncertain significance for Hereditary breast ovarian cancer syndrome. Last evaluated: 2018-06-02. Review status: criteria provided, single submitter. Criteria: Invitae Variant Classification Sherloc (09022015). Collection method: clinical testing. Allele origin: germline.
Comment: In summary, the available evidence is currently insufficient to determine the role of this variant in disease. Therefore, it has been classified as a Variant of Uncertain Significance. Algorithms developed to predict the effect of missense changes on protein structure and function output the following: SIFT: "Tolerated"; PolyPhen-2: "Benign"; Align-GVGD: "Class C0". The proline amino acid residue is found in multiple mammalian species, suggesting that this missense change does not adversely affect protein function. These predictions have not been confirmed by published functional studies and their clinical significance is uncertain. This variant has not been reported in the literature in individuals with BRCA2-related disease. ClinVar contains an entry for this variant (Variation ID: 142986). This variant is not present in population databases (ExAC no frequency). This sequence change replaces serine with proline at codon 617 of the BRCA2 protein (p.Ser617Pro). The serine residue is moderately conserved and there is a moderate physicochemical difference between serine and proline.

Literature cited by the submitters: PubMed 31464824 (cited by Ambry Genetics).

NM_000059.4(BRCA2):c.1849T>C (p.Ser617Pro)

Gene: BRCA2 (BRCA2 DNA repair associated; plus strand). Cytogenetic location: 13q13.1.
Variant type: single nucleotide variant.
Coding change: c.1849T>C on transcript NM_000059.4 (MANE Select); coding-DNA position 1849, T replaced by C.
Protein change: p.Ser617Pro; replaces serine 617 with proline.
Molecular consequence: missense variant.
Genome position (GRCh38, 1-based): chr13:32,333,327, T>C. VCF-style: chr13-32333327-T-C. GRCh37 (hg19) VCF-style: chr13-32907464-T-C.
Other names: short protein forms S617P.
Identifiers: ClinVar variation 142986 (VCV000142986.15), dbSNP rs587782871, ClinGen allele CA013554.